The following is an entry in ClinVar:

ClinVar aggregate classification (germline): Pathogenic (1 of 4 stars; one submission).

Conditions:
Primary ciliary dyskinesia 3. Identifiers: Orphanet 244, MedGen C1837618, MONDO:0012085, OMIM 608644.

Submission:

Myriad Genetics, Inc.
Classification: Pathogenic for Primary ciliary dyskinesia 3. Last evaluated: 2024-05-14. Review status: criteria provided, single submitter. Criteria: Myriad Autosomal Dominant, Autosomal Recessive and X-Linked Classification Criteria (2023). Collection method: clinical testing. Allele origin: unknown.
Comment: NM_001369.2(DNAH5):c.11271_11272ins13(K3758Yfs*5) is expected to be pathogenic in the context of primary ciliary dyskinesia, DNAH5-related. This variant is predicted to lead to an abnormal or absent protein product due to the creation of a premature termination codon in DNAH5, a gene where loss-of-function variants are known to be pathogenic. Please note: this variant was assessed in the context of healthy population screening.

NM_001369.3(DNAH5):c.11271_11272insTATAAGAGACAGT (p.Lys3758delinsTyrLysArgGlnTer)

Genes: DNAH5 (dynein axonemal heavy chain 5; minus strand), LOC107457585 (meiotic recombination hotspot J; plus strand). Cytogenetic location: 5p15.2.
Variant type: Insertion.
Coding change: c.11271_11272insTATAAGAGACAGT on transcript NM_001369.3 (MANE Select); coding-DNA positions 11271 to 11272, TATAAGAGACAGT inserted.
Protein change: p.Lys3758delinsTyrLysArgGlnTer.
Molecular consequence: nonsense.
Genome position: GRCh38 VCF-style: chr5-13737435-T-TACTGTCTCTTATA. GRCh37 (hg19) VCF-style: chr5-13737544-T-TACTGTCTCTTATA.
Identifiers: ClinVar variation 5010868 (VCV005010868.1).